The following is an entry in ClinVar:

ClinVar aggregate classification (germline): Uncertain significance (1 of 4 stars; one submission).

Conditions:
Inborn genetic diseases. Identifiers: MedGen C0950123, MeSH D030342.

Allele frequency attached by ClinVar (database versions not stated): gnomAD exomes below 0.00001.
gnomAD v4.1: 1 of 1,612,666 alleles (0.000062%); highest among the groups gnomAD compares: East Asian, 0.0022%; no homozygotes.

Submission:

Ambry Genetics
Classification: Uncertain significance for Inborn genetic diseases. Last evaluated: 2024-03-06. Review status: criteria provided, single submitter. Criteria: Ambry Variant Classification Scheme 2023. Collection method: clinical testing. Allele origin: germline.
Comment: The p.F1188S variant (also known as c.3563T>C), located in coding exon 18 of the ATR gene, results from a T to C substitution at nucleotide position 3563. The phenylalanine at codon 1188 is replaced by serine, an amino acid with highly dissimilar properties. This amino acid position is conserved. In addition, the in silico prediction for this alteration is inconclusive. Based on the available evidence, the clinical significance of this alteration remains unclear.

NM_001184.4(ATR):c.3563T>C (p.Phe1188Ser)

Gene: ATR (ATR checkpoint kinase; minus strand). Cytogenetic location: 3q23.
Variant type: single nucleotide variant.
Coding change: c.3563T>C on transcript NM_001184.4 (MANE Select); coding-DNA position 3563, T replaced by C.
Protein change: p.Phe1188Ser; replaces phenylalanine 1188 with serine.
Molecular consequence: missense variant.
Genome position (GRCh38, 1-based): chr3:142,540,922, A>G on the plus strand (T>C on the coding strand, the complement: ATR is on the minus strand). VCF-style: chr3-142540922-A-G. GRCh37 (hg19) VCF-style: chr3-142259764-A-G.
Other names: c.3371T>C, p.Phe1124Ser (NM_001354579.2); short protein forms F1124S, F1188S.
Identifiers: ClinVar variation 3221127 (VCV003221127.1), dbSNP rs1233332247, ClinGen allele CA354807730.